The following is an entry in ClinVar:

ClinVar aggregate classification (germline): Uncertain significance. Review status: criteria provided, multiple submitters, no conflicts (2 of 4 stars). 2 submissions from 2 submitters: Uncertain significance (2). Last evaluated 2025-07-23.

Conditions:
Familial thoracic aortic aneurysm and aortic dissection (TAAD). Also called: Thoracic aortic aneurysms and dissections. Identifiers: Orphanet 91387, MedGen C4707243, MONDO:0019625.
Shprintzen-Goldberg syndrome (SGS). Also called: SHPRINTZEN-GOLDBERG CRANIOSYNOSTOSIS SYNDROME; CRANIOSYNOSTOSIS WITH ARACHNODACTYLY AND ABDOMINAL HERNIAS; Marfanoid disorder with craniosynostosis type 1; Marfanoid craniosynostosis syndrome; Shprintzen-Goldberg marfanoid syndrome. Identifiers: Orphanet 2462, MedGen C1321551, MONDO:0008426, OMIM 182212.

Submissions (2):

Labcorp Genetics (formerly Invitae), Labcorp
Classification: Uncertain significance for Shprintzen-Goldberg syndrome. Last evaluated: 2025-07-23. Review status: criteria provided, single submitter. Criteria: Invitae Variant Classification Sherloc (09022015). Collection method: clinical testing. Allele origin: germline.
Comment: This sequence change replaces alanine, which is neutral and non-polar, with valine, which is neutral and non-polar, at codon 78 of the SKI protein (p.Ala78Val). This variant is not present in population databases (gnomAD no frequency). This variant has not been reported in the literature in individuals affected with SKI-related conditions. ClinVar contains an entry for this variant (Variation ID: 3442313). Invitae Evidence Modeling of protein sequence and biophysical properties (such as structural, functional, and spatial information, amino acid conservation, physicochemical variation, residue mobility, and thermodynamic stability) indicates that this missense variant is not expected to disrupt SKI protein function with a negative predictive value of 95%. In summary, the available evidence is currently insufficient to determine the role of this variant in disease. Therefore, it has been classified as a Variant of Uncertain Significance.

Ambry Genetics
Classification: Uncertain significance for Familial thoracic aortic aneurysm and aortic dissection. Last evaluated: 2024-09-02. Review status: criteria provided, single submitter. Criteria: Ambry Variant Classification Scheme 2023. Collection method: clinical testing. Allele origin: germline.

NM_003036.4(SKI):c.233C>T (p.Ala78Val)

Gene: SKI (SKI proto-oncogene; plus strand). Cytogenetic location: 1p36.33.
Variant type: single nucleotide variant.
Coding change: c.233C>T on transcript NM_003036.4 (MANE Select); coding-DNA position 233, C replaced by T.
Protein change: p.Ala78Val; replaces alanine 78 with valine.
Molecular consequence: missense variant.
Genome position (GRCh38, 1-based): chr1:2,228,999, C>T. VCF-style: chr1-2228999-C-T. GRCh37 (hg19) VCF-style: chr1-2160438-C-T.
Other names: short protein forms A78V.
Identifiers: ClinVar variation 3442313 (VCV003442313.2).